The following is an entry in ClinVar:

NM_018489.3(ASH1L):c.1991C>G (p.Thr664Ser)

Gene: ASH1L (ASH1 like histone lysine methyltransferase; minus strand). Cytogenetic location: 1q22.
Variant type: single nucleotide variant.
Coding change: c.1991C>G on transcript NM_018489.3 (MANE Select); coding-DNA position 1991, C replaced by G.
Protein change: p.Thr664Ser; replaces threonine 664 with serine.
Molecular consequence: missense variant.
Genome position (GRCh38, 1-based): chr1:155,480,879, G>C on the plus strand (C>G on the coding strand, the complement: ASH1L is on the minus strand). VCF-style: chr1-155480879-G-C. GRCh37 (hg19) VCF-style: chr1-155450670-G-C.
Other names: c.1991C>G, p.Thr664Ser (NM_001366177.2); short protein forms T664S.
Identifiers: ClinVar variation 3383651 (VCV003383651.1).
Genomic context (GRCh38, chr1:155,480,879, plus strand): 5'-AGTTTTAAAAAAGGCTTATTACTAAATAAACTAGTGAAGTTAACAACTGAAGGAGTAATA[G>C]TATGAATGCTGGATTCAGAAGTCAAACTTGGCTTTTTTCCAAGGGAAGAGCTTATTCTTG-3'
Protein context (NP_060959.2, residues 654-674): PSLTSESSIH[Thr664Ser]ITPSVVNFTS

ClinVar aggregate classification (germline): Uncertain significance (1 of 4 stars; one submission).

gnomAD v4.1: 1 of 1,613,980 alleles (0.000062%); highest among the groups gnomAD compares: Non-Finnish European, 0.000085%; no homozygotes.

Submission:

GeneDx
Classification: Uncertain significance. Last evaluated: 2024-05-30. Review status: criteria provided, single submitter. Criteria: GeneDx Variant Classification Process June 2021. Collection method: clinical testing. Allele origin: germline. Affected: yes.
Comment: Not observed at significant frequency in large population cohorts (gnomAD); In silico analysis indicates that this missense variant does not alter protein structure/function; Has not been previously published as pathogenic or benign to our knowledge